The following is an entry in ClinVar:

ClinVar aggregate classification (germline): Uncertain significance (1 of 4 stars; one submission).

Conditions:
Familial adenomatous polyposis 1 (FAP1). Also called: FAMILIAL ADENOMATOUS POLYPOSIS 1, ATTENUATED; POLYPOSIS, ADENOMATOUS INTESTINAL. Identifiers: MedGen C2713442, MONDO:0021056, OMIM 175100. Disease mechanism: loss of function.

Submission:

Labcorp Genetics (formerly Invitae), Labcorp
Classification: Uncertain significance for Familial adenomatous polyposis 1. Last evaluated: 2023-05-05. Review status: criteria provided, single submitter. Criteria: Invitae Variant Classification Sherloc (09022015). Collection method: clinical testing. Allele origin: germline.
Comment: ClinVar contains an entry for this variant (Variation ID: 1503138). This variant has not been reported in the literature in individuals affected with APC-related conditions. This variant is not present in population databases (gnomAD no frequency). This sequence change replaces alanine, which is neutral and non-polar, with valine, which is neutral and non-polar, at codon 759 of the APC protein (p.Ala759Val). Advanced modeling of protein sequence and biophysical properties (such as structural, functional, and spatial information, amino acid conservation, physicochemical variation, residue mobility, and thermodynamic stability) performed at Invitae indicates that this missense variant is not expected to disrupt APC protein function. In summary, the available evidence is currently insufficient to determine the role of this variant in disease. Therefore, it has been classified as a Variant of Uncertain Significance.

NM_000038.6(APC):c.2276C>T (p.Ala759Val)

Gene: APC (APC regulator of Wnt signaling pathway; plus strand). Cytogenetic location: 5q22.2.
Variant type: single nucleotide variant.
Coding change: c.2276C>T on transcript NM_000038.6 (MANE Select); coding-DNA position 2276, C replaced by T.
Protein change: p.Ala759Val; replaces alanine 759 with valine.
Molecular consequence: missense variant.
Genome position (GRCh38, 1-based): chr5:112,837,870, C>T. VCF-style: chr5-112837870-C-T. GRCh37 (hg19) VCF-style: chr5-112173567-C-T.
Other names: c.2276C>T, p.Ala759Val (NM_001127510.3, NM_001354895.2); c.2222C>T, p.Ala741Val (NM_001127511.3); c.2330C>T, p.Ala777Val (NM_001354896.2); c.2306C>T, p.Ala769Val (NM_001354897.2); c.2201C>T, p.Ala734Val (NM_001354898.2); c.2192C>T, p.Ala731Val (NM_001354899.2); c.2153C>T, p.Ala718Val (NM_001354900.2); c.2099C>T, p.Ala700Val (NM_001354901.2); and 5 more; short protein forms A668V, A741V, A633V, A700V, A718V, A734V, A769V, A599V.
Identifiers: ClinVar variation 1503138 (VCV001503138.8), dbSNP rs2149865137, ClinGen allele CA16026320.